The following is an entry in ClinVar:

ClinVar aggregate classification (germline): Uncertain significance. Review status: criteria provided, multiple submitters, no conflicts (2 of 4 stars). 3 submissions from 3 submitters: Uncertain significance (2). 1 of the submissions does not count toward it. Last evaluated 2025-01-02.

Conditions:
Usher syndrome type 1 (USH1). Also called: RETINITIS PIGMENTOSA AND CONGENITAL DEAFNESS. Identifiers: Orphanet 231169, Orphanet 886, MedGen C1568247, MONDO:0010168, OMIM 276900.
Inborn genetic diseases. Identifiers: MedGen C0950123, MeSH D030342.

Allele frequency attached by ClinVar (database versions not stated): gnomAD 0.00001; ESP Exome Variant Server 0.00016; gnomAD exomes 0.00001; TOPMed 0.00003; ExAC 0.00003.
gnomAD v4.1: 9 of 1,613,676 alleles (0.00056%); highest among the groups gnomAD compares: Non-Finnish European, 0.00076%; no homozygotes.

Submissions (3):

Ambry Genetics
Classification: Uncertain significance for Inborn genetic diseases. Last evaluated: 2025-01-02. Review status: criteria provided, single submitter. Criteria: Ambry Variant Classification Scheme 2023. Collection method: clinical testing. Allele origin: germline.

Labcorp Genetics (formerly Invitae), Labcorp
Classification: Uncertain significance. Last evaluated: 2024-12-16. Review status: criteria provided, single submitter. Criteria: Invitae Variant Classification Sherloc (09022015). Collection method: clinical testing. Allele origin: germline.
Comment: This sequence change replaces serine, which is neutral and polar, with glycine, which is neutral and non-polar, at codon 2098 of the CDH23 protein (p.Ser2098Gly). This variant is present in population databases (rs375699270, gnomAD 0.003%). This variant has not been reported in the literature in individuals affected with CDH23-related conditions. ClinVar contains an entry for this variant (Variation ID: 956861). Invitae Evidence Modeling of protein sequence and biophysical properties (such as structural, functional, and spatial information, amino acid conservation, physicochemical variation, residue mobility, and thermodynamic stability) has been performed for this missense variant. However, the output from this modeling did not meet the statistical confidence thresholds required to predict the impact of this variant on CDH23 protein function. In summary, the available evidence is currently insufficient to determine the role of this variant in disease. Therefore, it has been classified as a Variant of Uncertain Significance.

Natera, Inc.
Classification: Uncertain significance for Usher syndrome type 1. Last evaluated: 2020-09-03. Review status: no assertion criteria provided. Collection method: clinical testing. Allele origin: germline. Not counted in ClinVar's aggregate classification.

NM_022124.6(CDH23):c.6292A>G (p.Ser2098Gly)

Gene: CDH23 (cadherin related 23; plus strand). Cytogenetic location: 10q22.1.
Variant type: single nucleotide variant.
Coding change: c.6292A>G on transcript NM_022124.6 (MANE Select); coding-DNA position 6292, A replaced by G.
Protein change: p.Ser2098Gly; replaces serine 2098 with glycine.
Molecular consequence: missense variant.
Genome position (GRCh38, 1-based): chr10:71,793,220, A>G. VCF-style: chr10-71793220-A-G. GRCh37 (hg19) VCF-style: chr10-73552977-A-G.
Other names: short protein forms S2098G.
Identifiers: ClinVar variation 956861 (VCV000956861.10), dbSNP rs375699270, ClinGen allele CA5546050.